The following is an entry in ClinVar:

NM_001367916.1(MAGT1):c.431C>T (p.Ala144Val)

Gene: MAGT1 (magnesium transporter 1; minus strand). Cytogenetic location: Xq21.1.
Variant type: single nucleotide variant.
Coding change: c.431C>T on transcript NM_001367916.1 (MANE Select); coding-DNA position 431, C replaced by T.
Protein change: p.Ala144Val; replaces alanine 144 with valine.
Molecular consequence: missense variant.
Genome position (GRCh38, 1-based): chrX:77,857,457, G>A on the plus strand (C>T on the coding strand, the complement: MAGT1 is on the minus strand). VCF-style: chrX-77857457-G-A. GRCh37 (hg19) VCF-style: chrX-77112954-G-A.
Other names: c.527C>T, p.Ala176Val (NM_032121.5); short protein forms A144V, A176V.
Identifiers: ClinVar variation 930698 (VCV000930698.3), dbSNP rs2076984239, ClinGen allele CA413714324.

ClinVar aggregate classification (germline): Uncertain significance (1 of 4 stars; one submission).

Conditions:
X-linked immunodeficiency with magnesium defect, Epstein-Barr virus infection and neoplasia. Identifiers: Orphanet 317476, MedGen C3275445, MONDO:0010455, OMIM 300853.

Submission:

Centre for Mendelian Genomics, University Medical Centre Ljubljana
Classification: Uncertain significance for X-linked immunodeficiency with magnesium defect, Epstein-Barr virus infection and neoplasia. Last evaluated: 2019-12-04. Review status: criteria provided, single submitter. Criteria: ACMG Guidelines, 2015. Collection method: clinical testing. Allele origin: unknown. Affected: yes.
Comment: This variant was classified as: Uncertain significance. The available evidence on this variant's pathogenicity is insufficient or conflicting. The following ACMG criteria were applied in classifying this variant: PM2,PP3. This variant was detected in hemizygous state.